The following is an entry in ClinVar:

ClinVar aggregate classification (germline): Likely benign (0 of 4 stars; one submission).

Conditions:
SDCCAG8-related disorder. Also called: SDCCAG8-Related Disorders; SDCCAG8-related condition.

Allele frequency attached by ClinVar (database versions not stated): gnomAD 0.00001; TOPMed 0.00002.

Submission:

PreventionGenetics, part of Exact Sciences
Classification: Likely benign for SDCCAG8-related condition. Last evaluated: 2023-10-17. Review status: no assertion criteria provided. Collection method: clinical testing. Allele origin: germline.
Comment: This variant is classified as likely benign based on ACMG/AMP sequence variant interpretation guidelines (Richards et al. 2015 PMID: 25741868, with internal and published modifications).

NM_006642.5(SDCCAG8):c.740+361C>T

Gene: SDCCAG8 (SHH signaling and ciliogenesis regulator SDCCAG8; plus strand). Cytogenetic location: 1q43.
Variant type: single nucleotide variant.
Coding change: c.740+361C>T on transcript NM_006642.5 (MANE Select); 361 bases into the intron after coding-DNA position 740, C replaced by T.
Molecular consequence: intron variant. On other transcripts: 5 prime UTR variant (1).
Genome position (GRCh38, 1-based): chr1:243,305,138, C>T. VCF-style: chr1-243305138-C-T. GRCh37 (hg19) VCF-style: chr1-243468440-C-T.
Other names: c.-411C>T (NM_001350251.2); c.446+361C>T (NM_001350249.2); c.836+361C>T (NM_001350248.2); c.-261+15C>T (NM_001350246.2); c.-261+361C>T (NM_001350247.2).
Identifiers: ClinVar variation 3047761 (VCV003047761.2), dbSNP rs2071958754, ClinGen allele CA1014167655.